The following is an entry in ClinVar:

ClinVar aggregate classification (germline): Likely benign. Review status: criteria provided, multiple submitters, no conflicts (2 of 4 stars). 2 submissions from 2 submitters: Likely benign (2). Last evaluated 2024-02-19.

Conditions:
Long QT syndrome (LQTS). Identifiers: MedGen C0023976, MeSH D008133, MONDO:0002442. Disease mechanism: loss of function. Inheritance: Various modes of inheritance.

Allele frequency attached by ClinVar (database versions not stated): TOPMed below 0.00001; gnomAD 0.00001.

Submissions (2):

Labcorp Genetics (formerly Invitae), Labcorp
Classification: Likely benign for Long QT syndrome. Last evaluated: 2024-02-19. Review status: criteria provided, single submitter. Criteria: Invitae Variant Classification Sherloc (09022015). Collection method: clinical testing. Allele origin: germline.

GeneDx
Classification: Likely benign. Last evaluated: 2016-04-21. Review status: criteria provided, single submitter. Criteria: GeneDx Variant Classification (06012015). Collection method: clinical testing. Allele origin: germline. Affected: yes.
Comment: This variant is considered likely benign or benign based on one or more of the following criteria: it is a conservative change, it occurs at a poorly conserved position in the protein, it is predicted to be benign by multiple in silico algorithms, and/or has population frequency not consistent with disease.

NM_033337.3(CAV3):c.114+20C>T

Gene: CAV3 (caveolin 3; plus strand). Cytogenetic location: 3p25.3.
Variant type: single nucleotide variant.
Coding change: c.114+20C>T on transcript NM_033337.3 (MANE Select); 20 bases into the intron after coding-DNA position 114, C replaced by T.
Molecular consequence: intron variant.
Genome position (GRCh38, 1-based): chr3:8,734,010, C>T. VCF-style: chr3-8734010-C-T. GRCh37 (hg19) VCF-style: chr3-8775696-C-T.
Other names: c.114+20C>T (NM_001234.5).
Identifiers: ClinVar variation 385646 (VCV000385646.3), dbSNP rs748328757, ClinGen allele CA16605012.
Genomic context (GRCh38, chr3:8,734,010, plus strand): 5'-TGAACCGAGACCCCAAGAACATTAACGAGGACATAGTCAAGGTAGGCTCTGCAGGCCTGC[C>T]TCGGCGGGCGGAGAGTGTCAGGTTTGCGAGACGTGGGCGCTTGGCAGGGGAGGGTATCTG-3'